The following is an entry in ClinVar:

NM_153704.6(TMEM67):c.648del (p.Val217fs)

Gene: TMEM67 (transmembrane protein 67; plus strand). Cytogenetic location: 8q22.1.
Variant type: Deletion.
Coding change: c.648del on transcript NM_153704.6 (MANE Select); coding-DNA position 648, one base deleted (A; older notation c.648delA).
Protein change: p.Val217fs; shifts the reading frame from valine 217.
Molecular consequence: frameshift variant. On other transcripts: non-coding transcript variant (1).
Genome position (GRCh38, 1-based): chr8:93,765,643, A deleted; the last of 2 consecutive A bases (chr8:93,765,642-93,765,643); deleting either gives the same sequence. VCF-style (leftmost placement, unchanged base first): chr8-93765641-GA-G. GRCh37 (hg19) VCF-style: chr8-94777869-GA-G.
Other names: c.405del, p.Val136fs (NM_001142301.1); c.648delA (NM_153704.5); short protein forms V136fs, V217fs.
Identifiers: ClinVar variation 1366 (VCV000001366.2), dbSNP rs386834204, ClinGen allele CA212765.

ClinVar aggregate classification (germline): Pathogenic/Likely pathogenic. Review status: no assertion criteria provided (0 of 4 stars). 2 submissions from 2 submitters: Pathogenic (1); Likely pathogenic (1). Last evaluated 2007-01-15.

Conditions:
Meckel syndrome, type 3 (MKS3). Also called: MECKEL-GRUBER SYNDROME, TYPE 3. Identifiers: Orphanet 564, MedGen C1846357, MONDO:0011821, OMIM 607361.

Submissions (2):

OMIM
Classification: Pathogenic for MECKEL SYNDROME, TYPE 3. Last evaluated: 2007-01-15. Review status: no assertion criteria provided. Collection method: literature only. Allele origin: germline.

Juha Muilu Group; Institute for Molecular Medicine Finland (FIMM)
Classification: Likely pathogenic for Meckel syndrome type 3. Review status: no assertion criteria provided. Collection method: not provided. Allele origin: unknown.
Comment: FinDis database variant: This variant was not found or characterized by our laboratory, data were collected from public sources: see reference
ClinVar note: Converted during submission from probable-pathogenic to Likely pathogenic.

Literature cited by the submitters: PubMed 16415887 (cited by OMIM); PubMed 17185389 (cited by OMIM).